The following is an entry in ClinVar:

ClinVar aggregate classification (germline): Uncertain significance (1 of 4 stars; one submission).

Allele frequency attached by ClinVar (database versions not stated): gnomAD exomes below 0.00001; gnomAD 0.00001; TOPMed 0.00002.
gnomAD v4.1: 2 of 1,613,956 alleles (0.00012%); highest among the groups gnomAD compares: Non-Finnish European, 0.00017%; no homozygotes.

Submission:

Ambry Genetics
Classification: Uncertain significance. Last evaluated: 2023-10-08. Review status: criteria provided, single submitter. Criteria: Ambry Variant Classification Scheme 2023. Collection method: clinical testing. Allele origin: germline.
Comment: The p.Q280E variant (also known as c.838C>G), located in coding exon 1 of the PALLD gene, results from a C to G substitution at nucleotide position 838. The glutamine at codon 280 is replaced by glutamic acid, an amino acid with highly similar properties. This amino acid position is conserved. In addition, this alteration is predicted to be tolerated by in silico analysis. Since supporting evidence is limited at this time, the clinical significance of this alteration remains unclear.

NM_001166108.2(PALLD):c.838C>G (p.Gln280Glu)

Gene: PALLD (palladin, cytoskeletal associated protein; plus strand). Cytogenetic location: 4q32.3.
Variant type: single nucleotide variant.
Coding change: c.838C>G on transcript NM_001166108.2 (MANE Select); coding-DNA position 838, C replaced by G.
Protein change: p.Gln280Glu; replaces glutamine 280 with glutamic acid.
Molecular consequence: missense variant.
Genome position (GRCh38, 1-based): chr4:168,512,342, C>G. VCF-style: chr4-168512342-C-G. GRCh37 (hg19) VCF-style: chr4-169433493-C-G.
Other names: c.838C>G, p.Gln280Glu (NM_016081.4); short protein forms Q280E.
Identifiers: ClinVar variation 1763182 (VCV001763182.2), dbSNP rs894059873, ClinGen allele CA109883918.